The following is an entry in ClinVar:

NM_145207.3(AFG2A):c.2483C>T (p.Thr828Ile)

Gene: AFG2A (AAA ATPase AFG2A; plus strand). Cytogenetic location: 4q28.1.
Variant type: single nucleotide variant.
Coding change: c.2483C>T on transcript NM_145207.3 (MANE Select); coding-DNA position 2483, C replaced by T.
Protein change: p.Thr828Ile; replaces threonine 828 with isoleucine.
Molecular consequence: missense variant.
Genome position (GRCh38, 1-based): chr4:123,256,158, C>T. VCF-style: chr4-123256158-C-T. GRCh37 (hg19) VCF-style: chr4-124177313-C-T.
Other names: c.2480C>T, p.Thr827Ile (NM_001345856.2); short protein forms T827I, T828I.
Identifiers: ClinVar variation 1478438 (VCV001478438.6), dbSNP rs374330092, ClinGen allele CA3070739.

ClinVar aggregate classification (germline): Uncertain significance. Review status: criteria provided, multiple submitters, no conflicts (2 of 4 stars). 2 submissions from 2 submitters: Uncertain significance (2). Last evaluated 2023-12-07.

Conditions:
Microcephaly-intellectual disability-sensorineural hearing loss-epilepsy-abnormal muscle tone syndrome (NEDHSB). Also called: NEURODEVELOPMENTAL DISORDER WITH HEARING LOSS, SEIZURES, AND BRAIN ABNORMALITIES. Identifiers: Orphanet 457351, MedGen C4225276, MONDO:0014698, OMIM 616577.

Allele frequency attached by ClinVar (database versions not stated): gnomAD exomes below 0.00001; TOPMed below 0.00001; ExAC 0.00001; gnomAD 0.00002 and 0.00003; ESP Exome Variant Server 0.00008.
gnomAD v4.1: 5 of 1,613,978 alleles (0.00031%); highest among the groups gnomAD compares: African/African-American, 0.0067%; no homozygotes.

Submissions (2):

Blueprint Genetics
Classification: Uncertain significance. Last evaluated: 2023-12-07. Review status: criteria provided, single submitter. Criteria: ACMG Guidelines, 2015. Collection method: clinical testing. Allele origin: germline.

Labcorp Genetics (formerly Invitae), Labcorp
Classification: Uncertain significance for Microcephaly-intellectual disability-sensorineural hearing loss-epilepsy-abnormal muscle tone syndrome. Last evaluated: 2023-08-17. Review status: criteria provided, single submitter. Criteria: Invitae Variant Classification Sherloc (09022015). Collection method: clinical testing. Allele origin: germline.
Comment: This sequence change replaces threonine, which is neutral and polar, with isoleucine, which is neutral and non-polar, at codon 828 of the SPATA5 protein (p.Thr828Ile). This variant is present in population databases (rs374330092, gnomAD 0.008%). This variant has not been reported in the literature in individuals affected with SPATA5-related conditions. ClinVar contains an entry for this variant (Variation ID: 1478438). Advanced modeling of protein sequence and biophysical properties (such as structural, functional, and spatial information, amino acid conservation, physicochemical variation, residue mobility, and thermodynamic stability) performed at Invitae indicates that this missense variant is expected to disrupt SPATA5 protein function. In summary, the available evidence is currently insufficient to determine the role of this variant in disease. Therefore, it has been classified as a Variant of Uncertain Significance.